The following is an entry in ClinVar:

NM_080680.3(COL11A2):c.2658del (p.Pro888fs)

Gene: COL11A2 (collagen type XI alpha 2 chain; minus strand). Cytogenetic location: 6p21.32.
Variant type: Deletion.
Coding change: c.2658del on transcript NM_080680.3 (MANE Select); coding-DNA position 2658, one base deleted (G; older notation c.2658delG).
Protein change: p.Pro888fs; shifts the reading frame from proline 888.
Molecular consequence: frameshift variant.
Genome position (GRCh38, 1-based): chr6:33,173,526, C deleted on the plus strand (G on the coding strand, the reverse complement: COL11A2 is on the minus strand); the first of 3 consecutive C bases (chr6:33,173,526-33,173,528); deleting any one gives the same sequence. VCF-style (leftmost placement, unchanged base first): chr6-33173525-AC-A. GRCh37 (hg19) VCF-style: chr6-33141302-AC-A.
Other names: c.2337del, p.Pro781fs (NM_080679.3); c.2400del, p.Pro802fs (NM_080681.3); short protein forms P781fs, P802fs, P888fs.
Identifiers: ClinVar variation 2022159 (VCV002022159.4), dbSNP rs2534939945, ClinGen allele CA2580074659.

ClinVar aggregate classification (germline): Pathogenic (1 of 4 stars; one submission).

Submission:

Labcorp Genetics (formerly Invitae), Labcorp
Classification: Pathogenic. Last evaluated: 2022-08-06. Review status: criteria provided, single submitter. Criteria: Invitae Variant Classification Sherloc (09022015). Collection method: clinical testing. Allele origin: germline.
Comment: For these reasons, this variant has been classified as Pathogenic. This variant has not been reported in the literature in individuals affected with COL11A2-related conditions. This variant is not present in population databases (gnomAD no frequency). This sequence change creates a premature translational stop signal (p.Pro888Leufs*96) in the COL11A2 gene. It is expected to result in an absent or disrupted protein product. Loss-of-function variants in COL11A2 are known to be pathogenic (PMID: 10677296, 21204229).

Literature cited by the submitters: PubMed 10677296; PubMed 21204229.